The following is an entry in ClinVar:

NM_018136.5(ASPM):c.7554A>G (p.Arg2518=)

Gene: ASPM (assembly factor for spindle microtubules; minus strand). Cytogenetic location: 1q31.3.
Variant type: single nucleotide variant.
Coding change: c.7554A>G on transcript NM_018136.5 (MANE Select); coding-DNA position 7554, A replaced by G.
Protein change: p.Arg2518=; no amino-acid change (arginine 2518 retained).
Molecular consequence: synonymous variant. On other transcripts: intron variant (1).
Genome position (GRCh38, 1-based): chr1:197,101,697, T>C on the plus strand (A>G on the coding strand, the complement: ASPM is on the minus strand). VCF-style: chr1-197101697-T-C. GRCh37 (hg19) VCF-style: chr1-197070827-T-C.
Other names: c.4066-5533A>G (NM_001206846.2).
Identifiers: ClinVar variation 157871 (VCV000157871.25), dbSNP rs140248383, ClinGen allele CA201412.

ClinVar aggregate classification (germline): Conflicting classifications of pathogenicity. Review status: criteria provided, conflicting classifications (1 of 4 stars). 6 submissions from 6 submitters: Uncertain significance (1); Benign (2); Likely benign (3). Last evaluated 2026-01-07.

Conditions:
Microcephaly 5, primary, autosomal recessive (MCPH5). Also called: ASPM Primary Microcephaly. Identifiers: Orphanet 2512, MedGen C1837501, MONDO:0012106, OMIM 608716.

Allele frequency attached by ClinVar (database versions not stated): gnomAD exomes 0.00035 and 0.00084; ExAC 0.00090; 1000 Genomes Project 0.00280; 1000 Genomes Project 30x 0.00328; ESP Exome Variant Server 0.00331; gnomAD 0.00361 and 0.00393; TOPMed 0.00377.
gnomAD v4.1: 1,062 of 1,612,294 alleles (0.066%); highest among the groups gnomAD compares: African/African-American, 1.2%; 7 homozygotes.

Submissions (6):

Labcorp Genetics (formerly Invitae), Labcorp
Classification: Benign. Last evaluated: 2026-01-07. Review status: criteria provided, single submitter. Criteria: Invitae Variant Classification Sherloc (09022015). Collection method: clinical testing. Allele origin: germline.

Blueprint Genetics
Classification: Likely benign. Last evaluated: 2024-10-22. Review status: criteria provided, single submitter. Criteria: ACMG Guidelines, 2015. Collection method: clinical testing. Allele origin: germline.

GeneDx
Classification: Likely benign. Last evaluated: 2019-12-29. Review status: criteria provided, single submitter. Criteria: GeneDx Variant Classification Process June 2021. Collection method: clinical testing. Allele origin: germline. Affected: yes.

Illumina Laboratory Services, Illumina
Classification: Likely benign for Microcephaly 5, primary, autosomal recessive. Last evaluated: 2018-01-12. Review status: criteria provided, single submitter. Criteria: ICSL Variant Classification Criteria 13 December 2019. Collection method: clinical testing. Allele origin: germline.
Comment: This variant was observed in the ICSL laboratory as part of a predisposition screen in an ostensibly healthy population. It had not been previously curated by ICSL or reported in the Human Gene Mutation Database (HGMD: prior to June 1st, 2018), and was therefore a candidate for classification through an automated scoring system. Utilizing variant allele frequency, disease prevalence and penetrance estimates, and inheritance mode, an automated score was calculated to assess if this variant is too frequent to cause the disease. Based on the score and internal cut-off values, a variant classified as likely benign is not then subjected to further curation. The score for this variant resulted in a classification of likely benign for this disease.

Eurofins Ntd Llc (ga)
Classification: Benign. Last evaluated: 2015-05-15. Review status: criteria provided, single submitter. Criteria: EGL Classification Definitions 2015. Collection method: clinical testing. Allele origin: germline.

Genetic Services Laboratory, University of Chicago
Classification: Uncertain significance for Microcephaly 5, primary, autosomal recessive. Last evaluated: 2013-02-08. Review status: criteria provided, single submitter. Criteria: ACMG Guidelines, 2007. Collection method: clinical testing. Allele origin: germline. Inheritance: Autosomal recessive inheritance.